The following is an entry in ClinVar:

ClinVar aggregate classification (germline): Pathogenic. Review status: criteria provided, multiple submitters, no conflicts (2 of 4 stars). 2 submissions from 2 submitters: Pathogenic (2). Last evaluated 2023-01-26.

Conditions:
Hereditary spherocytosis type 1. Also called: Spherocytosis type 1; ANK1-Related Spherocytosis. Identifiers: Orphanet 822, MedGen C2674218, MONDO:0008447, OMIM 182900.
ANK1-related disorder. Also called: ANK1-related condition.

Submissions (2):

Illumina Laboratory Services, Illumina
Classification: Pathogenic for Hereditary spherocytosis type 1. Last evaluated: 2023-01-26. Review status: criteria provided, single submitter. Criteria: ICSLVariantClassificationCriteria RUGD 01 April 2020. Collection method: clinical testing. Allele origin: unknown.
Comment: The ANK1 c.1915del (p.Leu639PhefsTer37) variant results in the deletion of a nucleotide at position c.1915, causing a shift in the protein reading frame that is predicted to result in premature termination of the protein. Loss of normal protein function through either protein truncation or nonsense-mediated mRNA decay is expected. To our knowledge, this variant has not been reported in the peer-reviewed literature. This variant is not found in version 2.1.1 or version 3.1.2 of the Genome Aggregation Database. This variant was identified in a heterozygous state and segregated with disease in one family. Based on the available evidence, the c.1915del (p.Leu639PhefsTer37) variant is classified as pathogenic for spherocytosis.

PreventionGenetics, part of Exact Sciences
Classification: Pathogenic for ANK1-related condition. Last evaluated: 2022-12-15. Review status: criteria provided, single submitter. Criteria: ACMG Guidelines, 2015. Collection method: clinical testing. Allele origin: germline.
Comment: The ANK1 c.1915delC variant is predicted to result in a frameshift and premature protein termination (p.Leu639Phefs*37). To our knowledge, this variant has not been reported in the literature or in a large population database, indicating this variant is rare. Frameshift variants in ANK1 are expected to be pathogenic. This variant is interpreted as pathogenic.

NM_000037.4(ANK1):c.1915del (p.Leu639fs)

Gene: ANK1 (ankyrin 1; minus strand). Cytogenetic location: 8p11.21.
Variant type: Deletion.
Coding change: c.1915del on transcript NM_000037.4 (MANE Select); coding-DNA position 1915, one base deleted (C; older notation c.1915delC).
Protein change: p.Leu639fs; shifts the reading frame from leucine 639.
Molecular consequence: frameshift variant.
Genome position (GRCh38, 1-based): chr8:41,708,861, G deleted on the plus strand (C on the coding strand, the reverse complement: ANK1 is on the minus strand); the first of 4 consecutive G bases (chr8:41,708,861-41,708,864); deleting any one gives the same sequence. VCF-style (leftmost placement, unchanged base first): chr8-41708860-AG-A. GRCh37 (hg19) VCF-style: chr8-41566378-AG-A.
Other names: c.2014del, p.Leu672fs (NM_001142446.2); c.1915del, p.Leu639fs (NM_020475.3, NM_020476.3, NM_020477.3); c.1915delC (NM_020476.2); short protein forms L639fs, L672fs.
Identifiers: ClinVar variation 2573009 (VCV002573009.2), dbSNP rs35681783, ClinGen allele CA175942150.
Genomic context (GRCh38, chr8:41,708,860, plus strand): 5'-GCTTGTTTCGAGAGCAGCAGAGCCACCATCTCTGCGTGGCCCTCCTGGGCGGCCAGGTGA[AG>A]GGGCGTCACACCTTGCACCGACTCGGCGTTTGCTGAGCCCCCATACTGCAGCAGACTACG-3'